The following is an entry in ClinVar:

NM_006648.4(WNK2):c.707G>A (p.Arg236Gln)

Gene: WNK2 (WNK lysine deficient protein kinase 2; plus strand). Cytogenetic location: 9q22.31.
Variant type: single nucleotide variant.
Coding change: c.707G>A on transcript NM_006648.4 (MANE Select); coding-DNA position 707, G replaced by A.
Protein change: p.Arg236Gln; replaces arginine 236 with glutamine.
Molecular consequence: missense variant.
Genome position (GRCh38, 1-based): chr9:93,229,721, G>A. VCF-style: chr9-93229721-G-A. GRCh37 (hg19) VCF-style: chr9-95992003-G-A.
Other names: c.707G>A, p.Arg236Gln (NM_001282394.3); short protein forms R236Q.
Identifiers: ClinVar variation 2296329 (VCV002296329.3), dbSNP rs968476403, ClinGen allele CA196401858.

ClinVar aggregate classification (germline): Uncertain significance (1 of 4 stars; one submission).

Allele frequency attached by ClinVar (database versions not stated): TOPMed below 0.00001; gnomAD exomes 0.00001.
gnomAD v4.1: 8 of 1,613,348 alleles (0.0005%); highest among the groups gnomAD compares: Non-Finnish European, 0.00068%; no homozygotes.

Submission:

Ambry Genetics
Classification: Uncertain significance. Last evaluated: 2025-11-26. Review status: criteria provided, single submitter. Criteria: Ambry Variant Classification Scheme 2023. Collection method: clinical testing. Allele origin: germline.
Comment: The p.R236Q variant (also known as c.707G>A), located in coding exon 2 of the WNK2 gene, results from a G to A substitution at nucleotide position 707. The arginine at codon 236 is replaced by glutamine, an amino acid with highly similar properties. This amino acid position is conserved. In addition, the in silico prediction for this alteration is inconclusive. Based on the available evidence, the clinical significance of this variant remains unclear.